The following is an entry in ClinVar:

NM_004415.4(DSP):c.7385G>A (p.Arg2462Lys)

Gene: DSP (desmoplakin; plus strand). Cytogenetic location: 6p24.3.
Variant type: single nucleotide variant.
Coding change: c.7385G>A on transcript NM_004415.4 (MANE Select); coding-DNA position 7385, G replaced by A.
Protein change: p.Arg2462Lys; replaces arginine 2462 with lysine.
Molecular consequence: missense variant.
Genome position (GRCh38, 1-based): chr6:7,584,647, G>A. VCF-style: chr6-7584647-G-A. GRCh37 (hg19) VCF-style: chr6-7584880-G-A.
Other names: c.7385G>A (NM_004415.3); c.5588G>A, p.Arg1863Lys (NM_001008844.3); c.6056G>A, p.Arg2019Lys (NM_001319034.2); short protein forms R1863K, R2462K, R2019K.
Identifiers: ClinVar variation 1758625 (VCV001758625.7), dbSNP rs2533945571, ClinGen allele CA362692884.

ClinVar aggregate classification (germline): Uncertain significance. Review status: criteria provided, multiple submitters, no conflicts (2 of 4 stars). 4 submissions from 4 submitters: Uncertain significance (4). Last evaluated 2026-04-15.

Conditions:
DSP-related disorder. Also called: DSP-related condition; DSP-related disorders.
Arrhythmogenic cardiomyopathy with wooly hair and keratoderma. Also called: Arrhythmogenic cardiomyopathy with woolly hair and keratoderma; PALMOPLANTAR KERATODERMA WITH LEFT VENTRICULAR CARDIOMYOPATHY AND WOOLLY HAIR; Carvajal syndrome; Dilated cardiomyopathy with woolly hair and keratoderma. Identifiers: Orphanet 65282, MedGen C1854063, MONDO:0011581, OMIM 605676.
Arrhythmogenic right ventricular dysplasia 8 (ARVD8). Also called: ARRHYTHMOGENIC RIGHT VENTRICULAR DYSPLASIA, FAMILIAL, 8; ARRHYTHMOGENIC RIGHT VENTRICULAR CARDIOMYOPATHY 8; Arrhythmogenic Right Ventricular Dysplasia/Cardiomyopathy 8. Identifiers: MedGen C1843896, MONDO:0011831, OMIM 607450.
Cardiovascular phenotype. Identifiers: MedGen CN230736.

Allele frequency attached by ClinVar (database versions not stated): gnomAD exomes below 0.00001.
gnomAD v4.1: 5 of 1,614,144 alleles (0.00031%); highest among the groups gnomAD compares: Non-Finnish European, 0.00034%; no homozygotes.

Submissions (4):

PreventionGenetics, part of Exact Sciences
Classification: Uncertain significance for DSP-related condition. Last evaluated: 2026-04-15. Review status: criteria provided, single submitter. Criteria: ACMG Guidelines, 2015. Collection method: clinical testing. Allele origin: germline.
Comment: The DSP c.7385G>A variant is predicted to result in the amino acid substitution p.Arg2462Lys. To our knowledge, this variant has not been reported in the literature or in a large population database (gnomAD), indicating this variant is rare. At this time, the clinical significance of this variant is uncertain due to the absence of conclusive functional and genetic evidence.

All of Us Research Program, National Institutes of Health
Classification: Uncertain significance for Arrhythmogenic cardiomyopathy with wooly hair and keratoderma. Last evaluated: 2024-05-14. Review status: criteria provided, single submitter. Criteria: ACMG Guidelines, 2015. Collection method: clinical testing. Allele origin: germline. Inheritance: Autosomal dominant inheritance. Observed: 1 variant allele, 1 heterozygote.
Comment: This missense variant replaces arginine with lysine at codon 2462 of the DSP protein. Computational prediction suggests that this variant may not impact protein structure and function (internally defined REVEL score threshold <= 0.5, PMID: 27666373). To our knowledge, functional studies have not been reported for this variant. This variant has not been reported in individuals affected with DSP-related disorders in the literature. This variant has not been identified in the general population by the Genome Aggregation Database (gnomAD). The available evidence is insufficient to determine the role of this variant in disease conclusively. Therefore, this variant is classified as a Variant of Uncertain Significance.

This study involves interpretation of variants in research participants for the purpose of population health screening. Participant phenotype was not available at the time of variant classification. Additional details can be found in publication PMID: 35346344, PMCID: PMC8962531

Labcorp Genetics (formerly Invitae), Labcorp
Classification: Uncertain significance for Arrhythmogenic cardiomyopathy with wooly hair and keratoderma; Arrhythmogenic right ventricular dysplasia 8. Last evaluated: 2023-09-03. Review status: criteria provided, single submitter. Criteria: Invitae Variant Classification Sherloc (09022015). Collection method: clinical testing. Allele origin: germline.
Comment: In summary, the available evidence is currently insufficient to determine the role of this variant in disease. Therefore, it has been classified as a Variant of Uncertain Significance. An algorithm developed to predict the effect of missense changes on protein structure and function (PolyPhen-2) suggests that this variant is likely to be disruptive. ClinVar contains an entry for this variant (Variation ID: 1758625). This variant has not been reported in the literature in individuals affected with DSP-related conditions. This variant is not present in population databases (gnomAD no frequency). This sequence change replaces arginine, which is basic and polar, with lysine, which is basic and polar, at codon 2462 of the DSP protein (p.Arg2462Lys).

Ambry Genetics
Classification: Uncertain significance for Cardiovascular phenotype. Last evaluated: 2020-10-30. Review status: criteria provided, single submitter. Criteria: Ambry Variant Classification Scheme 2023. Collection method: clinical testing. Allele origin: germline.
Comment: The p.R2462K variant (also known as c.7385G>A), located in coding exon 24 of the DSP gene, results from a G to A substitution at nucleotide position 7385. The arginine at codon 2462 is replaced by lysine, an amino acid with highly similar properties. This amino acid position is highly conserved in available vertebrate species. In addition, the in silico prediction for this alteration is inconclusive. Since supporting evidence is limited at this time, the clinical significance of this alteration remains unclear.